The following is an entry in ClinVar:

ClinVar aggregate classification (germline): Likely benign. Review status: criteria provided, multiple submitters, no conflicts (2 of 4 stars). 2 submissions from 2 submitters: Likely benign (2). Last evaluated 2025-07-01.

Conditions:
Autosomal recessive ataxia, Beauce type. Also called: SYNE1-Related Autosomal Recessive Cerebellar Ataxia; ATAXIA, RECESSIVE, OF BEAUCE; Spinocerebellar ataxia, autosomal recessive 8; SYNE1 Deficiency. Identifiers: Orphanet 88644, MedGen C1853116, MONDO:0012549, OMIM 610743.
Emery-Dreifuss muscular dystrophy 4, autosomal dominant (EDMD4). Also called: EMERY-DREIFUSS MUSCULAR DYSTROPHY 4 WITH VARIABLE FEATURES. Identifiers: Orphanet 261, MedGen C2751807, MONDO:0013071, OMIM 612998.

Allele frequency attached by ClinVar (database versions not stated): ExAC 0.00001.
gnomAD v4.1: 3 of 1,614,114 alleles (0.00019%); highest among the groups gnomAD compares: Non-Finnish European, 0.00017%; no homozygotes.

Submissions (2):

CeGaT Center for Human Genetics Tuebingen
Classification: Likely benign. Last evaluated: 2025-07-01. Review status: criteria provided, single submitter. Criteria: CeGaT Center For Human Genetics Tuebingen Variant Classification Criteria Version 2. Collection method: clinical testing. Allele origin: germline. Affected: yes. Observed: 1 variant allele.
Comment: SYNE1: BP4, BP7

Labcorp Genetics (formerly Invitae), Labcorp
Classification: Likely benign for Emery-Dreifuss muscular dystrophy 4, autosomal dominant; Autosomal recessive ataxia, Beauce type. Last evaluated: 2021-06-08. Review status: criteria provided, single submitter. Criteria: Invitae Variant Classification Sherloc (09022015). Collection method: clinical testing. Allele origin: germline.

NM_182961.4(SYNE1):c.180T>A (p.Gly60=)

Gene: SYNE1 (spectrin repeat containing nuclear envelope protein 1; minus strand). Cytogenetic location: 6q25.2.
Variant type: single nucleotide variant.
Coding change: c.180T>A on transcript NM_182961.4 (MANE Select); coding-DNA position 180, T replaced by A.
Protein change: p.Gly60=; no amino-acid change (glycine 60 retained).
Molecular consequence: synonymous variant.
Genome position (GRCh38, 1-based): chr6:152,526,125, A>T on the plus strand (T>A on the coding strand, the complement: SYNE1 is on the minus strand). VCF-style: chr6-152526125-A-T. GRCh37 (hg19) VCF-style: chr6-152847260-A-T.
Other names: c.180T>A, p.Gly60= (NM_033071.5).
Identifiers: ClinVar variation 1625426 (VCV001625426.16), dbSNP rs761395846, ClinGen allele CA4059848.